The following is an entry in ClinVar:

NM_001378414.1(HDAC4):c.1697A>G (p.Glu566Gly)

Gene: HDAC4 (histone deacetylase 4; minus strand). Cytogenetic location: 2q37.3.
Variant type: single nucleotide variant.
Coding change: c.1697A>G on transcript NM_001378414.1 (MANE Select); coding-DNA position 1697, A replaced by G.
Protein change: p.Glu566Gly; replaces glutamic acid 566 with glycine.
Molecular consequence: missense variant.
Genome position (GRCh38, 1-based): chr2:239,115,147, T>C on the plus strand (A>G on the coding strand, the complement: HDAC4 is on the minus strand). VCF-style: chr2-239115147-T-C. GRCh37 (hg19) VCF-style: chr2-240036843-T-C.
Other names: c.1697A>G, p.Glu566Gly (NM_001378415.1); c.1682A>G, p.Glu561Gly (NM_001378416.1, NM_001378417.1, NM_006037.4); short protein forms E561G, E566G.
Identifiers: ClinVar variation 3252378 (VCV003252378.1), dbSNP rs2471519821.

ClinVar aggregate classification (germline): Uncertain significance (1 of 4 stars; one submission).

Submission:

GeneDx
Classification: Uncertain significance. Last evaluated: 2024-01-04. Review status: criteria provided, single submitter. Criteria: GeneDx Variant Classification Process June 2021. Collection method: clinical testing. Allele origin: germline. Affected: yes.
Comment: Not observed at significant frequency in large population cohorts (gnomAD); In silico analysis supports that this missense variant has a deleterious effect on protein structure/function; In silico analysis suggests this variant may impact gene splicing. In the absence of RNA/functional studies, the actual effect of this sequence change is unknown.; Has not been previously published as pathogenic or benign to our knowledge